The following is an entry in ClinVar:

NM_000260.4(MYO7A):c.1210G>C (p.Gly404Arg)

Gene: MYO7A (myosin VIIA; plus strand). Cytogenetic location: 11q13.5.
Variant type: single nucleotide variant.
Coding change: c.1210G>C on transcript NM_000260.4 (MANE Select); coding-DNA position 1210, G replaced by C.
Protein change: p.Gly404Arg; replaces glycine 404 with arginine.
Molecular consequence: missense variant.
Genome position (GRCh38, 1-based): chr11:77,160,982, G>C. VCF-style: chr11-77160982-G-C. GRCh37 (hg19) VCF-style: chr11-76872028-G-C.
Other names: c.1210G>C, p.Gly404Arg (NM_001127180.2); c.1177G>C, p.Gly393Arg (NM_001369365.1); short protein forms G393R, G404R.
Identifiers: ClinVar variation 2421082 (VCV002421082.3), dbSNP rs782022331, ClinGen allele CA381934829.

ClinVar aggregate classification (germline): Uncertain significance (1 of 4 stars; one submission).

gnomAD v4.1: 2 of 1,603,798 alleles (0.00012%); highest among the groups gnomAD compares: Admixed American, 0.0017%; no homozygotes.

Submission:

Labcorp Genetics (formerly Invitae), Labcorp
Classification: Uncertain significance. Last evaluated: 2022-07-05. Review status: criteria provided, single submitter. Criteria: Invitae Variant Classification Sherloc (09022015). Collection method: clinical testing. Allele origin: germline.
Comment: This sequence change replaces glycine, which is neutral and non-polar, with arginine, which is basic and polar, at codon 404 of the MYO7A protein (p.Gly404Arg). This variant is not present in population databases (gnomAD no frequency). This variant has not been reported in the literature in individuals affected with MYO7A-related conditions. Advanced modeling of protein sequence and biophysical properties (such as structural, functional, and spatial information, amino acid conservation, physicochemical variation, residue mobility, and thermodynamic stability) performed at Invitae indicates that this missense variant is expected to disrupt MYO7A protein function. In summary, the available evidence is currently insufficient to determine the role of this variant in disease. Therefore, it has been classified as a Variant of Uncertain Significance.